The following is an entry in ClinVar:

NM_000492.4(CFTR):c.3139+42A>T

Genes: CFTR (CF transmembrane conductance regulator; plus strand), CFTR-AS2 (CFTR antisense RNA 2; minus strand), LOC111674472 (DNase I hypersensitive sites in introns 16 and 17a of CFTR; plus strand). Cytogenetic location: 7q31.2.
Variant type: single nucleotide variant.
Coding change: c.3139+42A>T on transcript NM_000492.4 (MANE Select); 42 bases into the intron after coding-DNA position 3139, A replaced by T.
Molecular consequence: intron variant.
Genome position (GRCh38, 1-based): chr7:117,610,711, A>T. VCF-style: chr7-117610711-A-T. GRCh37 (hg19) VCF-style: chr7-117250765-A-T.
Identifiers: ClinVar variation 619836 (VCV000619836.17), dbSNP rs28517401, ClinGen allele CA4451389.

ClinVar aggregate classification (germline): Benign. Review status: criteria provided, multiple submitters, no conflicts (2 of 4 stars). 5 submissions from 5 submitters: Benign (5). Last evaluated 2026-01-05.

Conditions:
Cystic fibrosis (CF). Also called: MUCOVISCIDOSIS. Identifiers: Orphanet 586, MedGen C0010674, MONDO:0009061, OMIM 219700. Disease mechanism: loss of function.

Allele frequency attached by ClinVar (database versions not stated): ESP Exome Variant Server 0.03814; 1000 Genomes Project 30x 0.04122; gnomAD 0.03396 and 0.03591; TOPMed 0.03514; 1000 Genomes Project 0.03834.
gnomAD v4.1: 18,997 of 1,604,986 alleles (1.2%); highest among the groups gnomAD compares: African/African-American, 10%; 500 homozygotes.

Submissions (5):

Labcorp Genetics (formerly Invitae), Labcorp
Classification: Benign for Cystic fibrosis. Last evaluated: 2026-01-05. Review status: criteria provided, single submitter. Criteria: Invitae Variant Classification Sherloc (09022015). Collection method: clinical testing. Allele origin: germline.

Quest Diagnostics Nichols Institute San Juan Capistrano
Classification: Benign. Last evaluated: 2022-05-18. Review status: criteria provided, single submitter. Criteria: Quest Diagnostics criteria. Collection method: clinical testing. Allele origin: unknown.

GeneDx
Classification: Benign. Last evaluated: 2018-06-21. Review status: criteria provided, single submitter. Criteria: GeneDx Variant Classification Process June 2021. Collection method: clinical testing. Allele origin: germline. Affected: yes.

CFTR-France
Classification: Benign for cystic fibrosis. Last evaluated: 2018-01-29. Review status: criteria provided, single submitter. Criteria: Claustres M et al. (Hum Mutat 2017). Collection method: curation. Allele origin: germline. Affected: no.
Comment: the variant does not result in CFTR-RD neither

Breakthrough Genomics
Classification: Benign. Review status: criteria provided, single submitter. Criteria: ACMG Guidelines, 2015. Collection method: not provided. Allele origin: germline. Inheritance: Autosomal recessive inheritance. Affected: yes.

Literature cited by the submitters: PubMed 26436105 (cited by Quest Diagnostics Nichols Institute San Juan Capistrano); PubMed 25797027 (cited by Quest Diagnostics Nichols Institute San Juan Capistrano).